The following is an entry in ClinVar:

ClinVar aggregate classification (germline): Uncertain significance. Review status: criteria provided, multiple submitters, no conflicts (2 of 4 stars). 2 submissions from 2 submitters: Uncertain significance (2). Last evaluated 2026-04-15.

Conditions:
Kabuki syndrome. Also called: Kabuki make-up syndrome; NIIKAWA-KUROKI SYNDROME. Identifiers: Orphanet 2322, MedGen C0796004, MONDO:0016512.
KMT2D-related disorder. Also called: KMT2D-Related Disorders.

Allele frequency attached by ClinVar (database versions not stated): gnomAD exomes 0.00001.

Submissions (2):

PreventionGenetics, part of Exact Sciences
Classification: Uncertain significance for KMT2D-related condition. Last evaluated: 2026-04-15. Review status: criteria provided, single submitter. Criteria: ACMG Guidelines, 2015. Collection method: clinical testing. Allele origin: germline.
Comment: The KMT2D c.6943C>T variant is predicted to result in the amino acid substitution p.His2315Tyr. To our knowledge, this variant has not been reported in the literature in individuals with KMT2D-related disorders or in a large population database (gnomAD), indicating this variant is rare. At this time, the clinical significance of this variant is uncertain due to the absence of conclusive functional and genetic evidence.

Labcorp Genetics (formerly Invitae), Labcorp
Classification: Uncertain significance for Kabuki syndrome. Last evaluated: 2025-02-10. Review status: criteria provided, single submitter. Criteria: Invitae Variant Classification Sherloc (09022015). Collection method: clinical testing. Allele origin: germline.
Comment: This sequence change replaces histidine, which is basic and polar, with tyrosine, which is neutral and polar, at codon 2315 of the KMT2D protein (p.His2315Tyr). This variant is not present in population databases (gnomAD no frequency). This variant has not been reported in the literature in individuals affected with KMT2D-related conditions. ClinVar contains an entry for this variant (Variation ID: 2634132). Invitae Evidence Modeling of protein sequence and biophysical properties (such as structural, functional, and spatial information, amino acid conservation, physicochemical variation, residue mobility, and thermodynamic stability) indicates that this missense variant is not expected to disrupt KMT2D protein function with a negative predictive value of 95%. In summary, the available evidence is currently insufficient to determine the role of this variant in disease. Therefore, it has been classified as a Variant of Uncertain Significance.

NM_003482.4(KMT2D):c.6943C>T (p.His2315Tyr)

Gene: KMT2D (lysine methyltransferase 2D; minus strand). Cytogenetic location: 12q13.12.
Variant type: single nucleotide variant.
Coding change: c.6943C>T on transcript NM_003482.4 (MANE Select); coding-DNA position 6943, C replaced by T.
Protein change: p.His2315Tyr; replaces histidine 2315 with tyrosine.
Molecular consequence: missense variant.
Genome position (GRCh38, 1-based): chr12:49,040,827, G>A on the plus strand (C>T on the coding strand, the complement: KMT2D is on the minus strand). VCF-style: chr12-49040827-G-A. GRCh37 (hg19) VCF-style: chr12-49434610-G-A.
Other names: short protein forms H2315Y.
Identifiers: ClinVar variation 2634132 (VCV002634132.5), dbSNP rs1943479989, ClinGen allele CA384749237.
Genomic context (GRCh38, chr12:49,040,827, plus strand): 5'-CCCGAGGGGTCAGGGGGGCTTTGAAGACATCAGGTGTCTTTAACTCCAGGCCACCCAGGT[G>A]GGTGCCTGAGGAGGGTGAGTCAACAAAGCCCAGGTTTGGGGGCCCATAGCTAGGAGAGGA-3'
Protein context (NP_003473.3, residues 2305-2325): GFVDSPSSGT[His2315Tyr]LGGLELKTPD